The following is an entry in ClinVar:

NM_001364171.2(ODAD1):c.170+1G>A

Gene: ODAD1 (outer dynein arm docking complex subunit 1; minus strand). Cytogenetic location: 19q13.33.
Variant type: single nucleotide variant.
Coding change: c.170+1G>A on transcript NM_001364171.2 (MANE Select); the canonical splice donor site of the intron after coding-DNA position 170, G replaced by A.
Molecular consequence: splice donor variant.
Genome position (GRCh38, 1-based): chr19:48,318,712, C>T on the plus strand (G>A on the coding strand, the complement: ODAD1 is on the minus strand). VCF-style: chr19-48318712-C-T. GRCh37 (hg19) VCF-style: chr19-48821969-C-T.
Other names: c.59+1G>A (NM_144577.4).
Identifiers: ClinVar variation 1799681 (VCV001799681.2), dbSNP rs1326332740, ClinGen allele CA406666454.

ClinVar aggregate classification (germline): Pathogenic (1 of 4 stars; one submission).

Conditions:
Primary ciliary dyskinesia. Also called: Ciliary dyskinesia. Identifiers: Orphanet 244, MedGen C0008780, MONDO:0016575, HP:0012265.

Allele frequency attached by ClinVar (database versions not stated): gnomAD exomes 0.00001; TOPMed 0.00001.

Submission:

Ambry Genetics
Classification: Pathogenic for Primary ciliary dyskinesia. Last evaluated: 2016-09-28. Review status: criteria provided, single submitter. Criteria: Ambry Variant Classification Scheme 2023. Collection method: clinical testing. Allele origin: germline.
Comment: The c.59+1G>A intronic pathogenic mutation results from a G to A substitution one nucleotide after coding exon 1 of the CCDC114 gene. Alterations that disrupt the canonical splice site are expected to cause aberrant splicing, resulting in an abnormal protein or a transcript that is subject to nonsense-mediated mRNA decay. As such, this alteration is classified as as a disease-causing mutation.